The following is an entry in ClinVar:

NM_000719.7(CACNA1C):c.5150C>T (p.Ala1717Val)

Genes: CACNA1C (calcium voltage-gated channel subunit alpha1 C; plus strand), CACNA1C-AS1 (CACNA1C antisense RNA 1; minus strand). Cytogenetic location: 12p13.33.
Variant type: single nucleotide variant.
Coding change: c.5150C>T on transcript NM_000719.7 (MANE Select); coding-DNA position 5150, C replaced by T.
Protein change: p.Ala1717Val; replaces alanine 1717 with valine.
Molecular consequence: missense variant.
Genome position (GRCh38, 1-based): chr12:2,679,502, C>T. VCF-style: chr12-2679502-C-T. GRCh37 (hg19) VCF-style: chr12-2788668-C-T.
Other names: c.5294C>T, p.Ala1765Val (NM_001129827.2, NM_199460.4); c.5273C>T, p.Ala1758Val (NM_001129829.2); c.5150C>T, p.Ala1717Val (NM_001129830.3, NM_001129840.2, NM_001129841.2 and 4 more transcripts); c.5234C>T, p.Ala1745Val (NM_001129831.2); c.5210C>T, p.Ala1737Val (NM_001129832.2); c.5207C>T, p.Ala1736Val (NM_001129833.2, NM_001129834.2, NM_001129835.2); c.5201C>T, p.Ala1734Val (NM_001129836.2); c.5174C>T, p.Ala1725Val (NM_001129837.2, NM_001129838.2); and 3 more; short protein forms A1717V, A1765V, A1714V, A1736V, A1725V, A1734V, A1706V, A1737V.
Identifiers: ClinVar variation 526989 (VCV000526989.15), dbSNP rs201492706, ClinGen allele CA6389719.

ClinVar aggregate classification (germline): Conflicting classifications of pathogenicity. Review status: criteria provided, conflicting classifications (1 of 4 stars). 5 submissions from 5 submitters: Uncertain significance (4); Likely benign (1). Last evaluated 2026-02-02.

Conditions:
Timothy syndrome (TS). Also called: LONG QT SYNDROME WITH SYNDACTYLY. Identifiers: Orphanet 65283, MedGen C1832916, MeSH C536962, MONDO:0010979, OMIM 601005.
Brugada syndrome 3 (BRGDA3). Identifiers: Orphanet 130, MedGen C2678478, MONDO:0012742, OMIM 611875.
Long QT syndrome 8. Identifiers: MedGen CN260585, MONDO:0032756, OMIM 618447.
Neurodevelopmental disorder with hypotonia, language delay, and skeletal defects with or without seizures (NEDHLSS). Identifiers: MedGen C5774213, MONDO:0859286, OMIM 620029.
CACNA1C-related disorder. Also called: CACNA1C-related condition; CACNA1C-related disorders. Identifiers: MedGen CN381092, MONDO:0700321.
Long QT syndrome (LQTS). Identifiers: MedGen C0023976, MeSH D008133, MONDO:0002442. Disease mechanism: loss of function. Inheritance: Various modes of inheritance.
Cardiovascular phenotype. Identifiers: MedGen CN230736.

Allele frequency attached by ClinVar (database versions not stated): 1000 Genomes Project 30x 0.00016; TOPMed 0.00002.
gnomAD v4.1: 35 of 1,609,272 alleles (0.0022%); highest among the groups gnomAD compares: Non-Finnish European, 0.0028%; no homozygotes.

Submissions (5):

Labcorp Genetics (formerly Invitae), Labcorp
Classification: Uncertain significance for Long QT syndrome. Last evaluated: 2026-02-02. Review status: criteria provided, single submitter. Criteria: Invitae Variant Classification Sherloc (09022015). Collection method: clinical testing. Allele origin: germline.
Comment: This sequence change replaces alanine, which is neutral and non-polar, with valine, which is neutral and non-polar, at codon 1717 of the CACNA1C protein (p.Ala1717Val). This variant is present in population databases (rs201492706, gnomAD 0.003%). This variant has not been reported in the literature in individuals affected with CACNA1C-related conditions. ClinVar contains an entry for this variant (Variation ID: 526989). Invitae Evidence Modeling of protein sequence and biophysical properties (such as structural, functional, and spatial information, amino acid conservation, physicochemical variation, residue mobility, and thermodynamic stability) indicates that this missense variant is not expected to disrupt CACNA1C protein function with a negative predictive value of 80%. In summary, the available evidence is currently insufficient to determine the role of this variant in disease. Therefore, it has been classified as a Variant of Uncertain Significance.

PreventionGenetics, part of Exact Sciences
Classification: Uncertain significance for CACNA1C-related condition. Last evaluated: 2026-01-13. Review status: criteria provided, single submitter. Criteria: ACMG Guidelines, 2015. Collection method: clinical testing. Allele origin: germline.
Comment: The CACNA1C c.5150C>T variant is predicted to result in the amino acid substitution p.Ala1717Val. To our knowledge, this variant has not been reported in the literature. This variant is reported in 0.0027% of alleles in individuals of European (Non-Finnish) descent in gnomAD. At this time, the clinical significance of this variant is uncertain due to the absence of conclusive functional and genetic evidence.

Ambry Genetics
Classification: Likely benign for Cardiovascular phenotype. Last evaluated: 2021-11-05. Review status: criteria provided, single submitter. Criteria: Ambry Variant Classification Scheme 2023. Collection method: clinical testing. Allele origin: germline.

Fulgent Genetics
Classification: Uncertain significance for Timothy syndrome; Brugada syndrome 3; Long QT syndrome 8. Last evaluated: 2021-09-01. Review status: criteria provided, single submitter. Criteria: ACMG Guidelines, 2015. Collection method: clinical testing. Allele origin: unknown.

Center for Genomics, Ann and Robert H. Lurie Children's Hospital of Chicago
Classification: Uncertain significance for Timothy syndrome; Long QT syndrome 8; Neurodevelopmental disorder with hypotonia, language delay, and skeletal defects with or without seizures; Brugada syndrome 3. Review status: criteria provided, single submitter. Criteria: ACMG Guidelines, 2015. Collection method: clinical testing. Allele origin: germline.
Comment: CACNA1C NM_000719.6 exon 42 p.Ala1717Val (c.5150C>T): This variant has not been reported in the literature but is present in 3/108592 European alleles in the Genome Aggregation Database. This variant is present in ClinVar (Variation ID:526989). Evolutionary conservation and computational predictive tools suggest that this variant may not impact the protein. In summary, data on this variant is insufficient for disease classification. Therefore, the clinical significance of this variant is uncertain.